The following is an entry in ClinVar:

NM_000135.4(FANCA):c.741T>G (p.Phe247Leu)

Gene: FANCA (FA complementation group A; minus strand). Cytogenetic location: 16q24.3.
Variant type: single nucleotide variant.
Coding change: c.741T>G on transcript NM_000135.4 (MANE Select); coding-DNA position 741, T replaced by G.
Protein change: p.Phe247Leu; replaces phenylalanine 247 with leucine.
Molecular consequence: missense variant.
Genome position (GRCh38, 1-based): chr16:89,803,310, A>C on the plus strand (T>G on the coding strand, the complement: FANCA is on the minus strand). VCF-style: chr16-89803310-A-C. GRCh37 (hg19) VCF-style: chr16-89869718-A-C.
Other names: c.741T>G, p.Phe247Leu (NM_001018112.3, NM_001286167.3); c.645T>G, p.Phe215Leu (NM_001351830.2); short protein forms F215L, F247L.
Identifiers: ClinVar variation 4619319 (VCV004619319.1).

ClinVar aggregate classification (germline): Uncertain significance (1 of 4 stars; one submission).

Conditions:
Inborn genetic diseases. Identifiers: MedGen C0950123, MeSH D030342.

Submission:

Ambry Genetics
Classification: Uncertain significance for Inborn genetic diseases. Last evaluated: 2025-12-12. Review status: criteria provided, single submitter. Criteria: Ambry Variant Classification Scheme 2023. Collection method: clinical testing. Allele origin: germline.
Comment: The p.F247L variant (also known as c.741T>G), located in coding exon 8 of the FANCA gene, results from a T to G substitution at nucleotide position 741. The phenylalanine at codon 247 is replaced by leucine, an amino acid with highly similar properties. This amino acid position is conserved. In addition, the in silico prediction for this alteration is inconclusive. Based on the available evidence, the clinical significance of this variant remains unclear.